The following is an entry in ClinVar:

ClinVar aggregate classification (germline): Likely benign. Review status: criteria provided, multiple submitters, no conflicts (2 of 4 stars). 5 submissions from 5 submitters: Likely benign (5). Last evaluated 2026-01-17.

Conditions:
RYR1-related disorder. Also called: RYR1-related disorders; RYR1-related condition. Identifiers: MedGen CN239331.
Malignant hyperthermia, susceptibility to, 1 (MHS1). Also called: Anesthesia related hyperthermia; Malignant hyperpyrexia; Fulminating hyperpyrexia; Pharmacogenic myopathy; RYR1-Related Malignant Hyperthermia Susceptibility; Malignant hyperthermia suceptibility 1. Identifiers: Orphanet 423, MedGen C2930980, MONDO:0007783, OMIM 145600.

Allele frequency attached by ClinVar (database versions not stated): gnomAD 0.00004 and 0.00005; TOPMed 0.00005; ESP Exome Variant Server 0.00008; gnomAD exomes 0.00010 and 0.00011; ExAC 0.00015.

Submissions (5):

Labcorp Genetics (formerly Invitae), Labcorp
Classification: Likely benign for RYR1-related disorder. Last evaluated: 2026-01-17. Review status: criteria provided, single submitter. Criteria: Invitae Variant Classification Sherloc (09022015). Collection method: clinical testing. Allele origin: germline.

Blueprint Genetics
Classification: Likely benign. Last evaluated: 2024-11-18. Review status: criteria provided, single submitter. Criteria: ACMG Guidelines, 2015. Collection method: clinical testing. Allele origin: germline.

All of Us Research Program, National Institutes of Health
Classification: Likely benign for Malignant hyperthermia, susceptibility to, 1. Last evaluated: 2024-02-05. Review status: criteria provided, single submitter. Criteria: ACMG Guidelines, 2015. Collection method: clinical testing. Allele origin: germline. Inheritance: Autosomal dominant inheritance. Observed: 23 variant alleles, 23 heterozygotes.
Comment: This study involves interpretation of variants in research participants for the purpose of population health screening. Participant phenotype was not available at the time of variant classification. Additional details can be found in publication PMID: 35346344, PMCID: PMC8962531

CeGaT Center for Human Genetics Tuebingen
Classification: Likely benign. Last evaluated: 2023-01-01. Review status: criteria provided, single submitter. Criteria: CeGaT Center For Human Genetics Tuebingen Variant Classification Criteria Version 2. Collection method: clinical testing. Allele origin: germline. Affected: yes. Observed: 1 variant allele.
Comment: RYR1: BP4, BP7

Color Diagnostics, LLC DBA Color Health
Classification: Likely benign for Malignant hyperthermia, susceptibility to, 1. Last evaluated: 2022-11-06. Review status: criteria provided, single submitter. Criteria: ACMG Guidelines, 2015. Collection method: clinical testing. Allele origin: germline.

NM_000540.3(RYR1):c.5064A>T (p.Val1688=)

Gene: RYR1 (ryanodine receptor 1; plus strand). Cytogenetic location: 19q13.2.
Variant type: single nucleotide variant.
Coding change: c.5064A>T on transcript NM_000540.3 (MANE Select); coding-DNA position 5064, A replaced by T.
Protein change: p.Val1688=; no amino-acid change (valine 1688 retained).
Molecular consequence: synonymous variant.
Genome position (GRCh38, 1-based): chr19:38,485,719, A>T. VCF-style: chr19-38485719-A-T. GRCh37 (hg19) VCF-style: chr19-38976359-A-T.
Other names: c.5064A>T, p.Val1688= (NM_001042723.2).
Identifiers: ClinVar variation 696967 (VCV000696967.37), dbSNP rs373673924, ClinGen allele CA066642.